The following is an entry in ClinVar:

ClinVar aggregate classification (germline): Uncertain significance. Review status: criteria provided, multiple submitters, no conflicts (2 of 4 stars). 2 submissions from 2 submitters: Uncertain significance (2). Last evaluated 2024-07-08.

Allele frequency attached by ClinVar (database versions not stated): gnomAD exomes below 0.00001.
gnomAD v4.1: 7 of 1,614,180 alleles (0.00043%); highest among the groups gnomAD compares: Admixed American, 0.01%; no homozygotes.

Submissions (2):

Labcorp Genetics (formerly Invitae), Labcorp
Classification: Uncertain significance. Last evaluated: 2024-07-08. Review status: criteria provided, single submitter. Criteria: Invitae Variant Classification Sherloc (09022015). Collection method: clinical testing. Allele origin: germline.
Comment: This sequence change replaces lysine, which is basic and polar, with arginine, which is basic and polar, at codon 468 of the PPP2R1A protein (p.Lys468Arg). This variant is not present in population databases (gnomAD no frequency). This variant has not been reported in the literature in individuals affected with PPP2R1A-related conditions. ClinVar contains an entry for this variant (Variation ID: 1678308). Advanced modeling of protein sequence and biophysical properties (such as structural, functional, and spatial information, amino acid conservation, physicochemical variation, residue mobility, and thermodynamic stability) performed at Invitae indicates that this missense variant is not expected to disrupt PPP2R1A protein function with a negative predictive value of 80%. In summary, the available evidence is currently insufficient to determine the role of this variant in disease. Therefore, it has been classified as a Variant of Uncertain Significance.

AiLife Diagnostics
Classification: Uncertain significance. Last evaluated: 2020-07-20. Review status: criteria provided, single submitter. Criteria: ACMG Guidelines, 2015. Collection method: clinical testing. Allele origin: germline. Affected: yes. Observed: 1 variant allele.

NM_014225.6(PPP2R1A):c.1403A>G (p.Lys468Arg)

Gene: PPP2R1A (protein phosphatase 2 scaffold subunit Aalpha; plus strand). Cytogenetic location: 19q13.41.
Variant type: single nucleotide variant.
Coding change: c.1403A>G on transcript NM_014225.6 (MANE Select); coding-DNA position 1403, A replaced by G.
Protein change: p.Lys468Arg; replaces lysine 468 with arginine.
Molecular consequence: missense variant. On other transcripts: non-coding transcript variant (1).
Genome position (GRCh38, 1-based): chr19:52,221,018, A>G. VCF-style: chr19-52221018-A-G. GRCh37 (hg19) VCF-style: chr19-52724271-A-G.
Other names: c.866A>G, p.Lys289Arg (NM_001363656.2); short protein forms K289R, K468R.
Identifiers: ClinVar variation 1678308 (VCV001678308.4), dbSNP rs1978891051, ClinGen allele CA407190095.